The following is an entry in ClinVar:

NM_001673.5(ASNS):c.553T>G (p.Tyr185Asp)

Genes: ASNS (asparagine synthetase (glutamine-hydrolyzing); minus strand), CZ1P-ASNS (CZ1P-ASNS readthrough; minus strand). Cytogenetic location: 7q21.3.
Variant type: single nucleotide variant.
Coding change: c.553T>G on transcript NM_001673.5 (MANE Select); coding-DNA position 553, T replaced by G.
Protein change: p.Tyr185Asp; replaces tyrosine 185 with aspartic acid.
Molecular consequence: missense variant. On other transcripts: non-coding transcript variant (1).
Genome position (GRCh38, 1-based): chr7:97,859,333, A>C on the plus strand (T>G on the coding strand, the complement: ASNS is on the minus strand). VCF-style: chr7-97859333-A-C. GRCh37 (hg19) VCF-style: chr7-97488645-A-C.
Other names: c.490T>G, p.Tyr164Asp (NM_001178075.2); c.304T>G, p.Tyr102Asp (NM_001178076.2, NM_001178077.1); c.553T>G, p.Tyr185Asp (NM_001352496.2, NM_133436.3, NM_183356.4); short protein forms Y185D, Y164D, Y102D.
Identifiers: ClinVar variation 1516221 (VCV001516221.6), dbSNP rs2115660260, ClinGen allele CA368269959.

ClinVar aggregate classification (germline): Uncertain significance (1 of 4 stars; one submission).

Allele frequency attached by ClinVar (database versions not stated): gnomAD exomes below 0.00001.
gnomAD v4.1: 3 of 1,614,158 alleles (0.00019%); highest among the groups gnomAD compares: Non-Finnish European, 0.00025%; no homozygotes.

Submission:

Labcorp Genetics (formerly Invitae), Labcorp
Classification: Uncertain significance. Last evaluated: 2022-08-09. Review status: criteria provided, single submitter. Criteria: Invitae Variant Classification Sherloc (09022015). Collection method: clinical testing. Allele origin: germline.
Comment: In summary, the available evidence is currently insufficient to determine the role of this variant in disease. Therefore, it has been classified as a Variant of Uncertain Significance. Advanced modeling of protein sequence and biophysical properties (such as structural, functional, and spatial information, amino acid conservation, physicochemical variation, residue mobility, and thermodynamic stability) performed at Invitae indicates that this missense variant is expected to disrupt ASNS protein function. ClinVar contains an entry for this variant (Variation ID: 1516221). This variant has not been reported in the literature in individuals affected with ASNS-related conditions. This variant is not present in population databases (gnomAD no frequency). This sequence change replaces tyrosine, which is neutral and polar, with aspartic acid, which is acidic and polar, at codon 185 of the ASNS protein (p.Tyr185Asp).